The following is an entry in ClinVar:

ClinVar aggregate classification (germline): Uncertain significance. Review status: criteria provided, multiple submitters, no conflicts (2 of 4 stars). 2 submissions from 2 submitters: Uncertain significance (2). Last evaluated 2025-07-20.

Conditions:
Malignant hyperthermia, susceptibility to, 1 (MHS1). Also called: Anesthesia related hyperthermia; Malignant hyperpyrexia; Fulminating hyperpyrexia; Pharmacogenic myopathy; RYR1-Related Malignant Hyperthermia Susceptibility; Malignant hyperthermia suceptibility 1. Identifiers: Orphanet 423, MedGen C2930980, MONDO:0007783, OMIM 145600.

Allele frequency attached by ClinVar (database versions not stated): gnomAD 0.00001.
gnomAD v4.1: 1 of 1,614,032 alleles (0.000062%); highest among the groups gnomAD compares: Non-Finnish European, 0.000085%; no homozygotes.

Submissions (2):

GeneDx
Classification: Uncertain significance. Last evaluated: 2025-07-20. Review status: criteria provided, single submitter. Criteria: GeneDx Variant Classification Process June 2021. Collection method: clinical testing. Allele origin: germline. Affected: yes.
Comment: Not observed at significant frequency in large population cohorts (gnomAD); In silico analysis supports that this missense variant has a deleterious effect on protein structure/function; Has not been previously published as pathogenic or benign to our knowledge

All of Us Research Program, National Institutes of Health
Classification: Uncertain significance for Malignant hyperthermia, susceptibility to, 1. Last evaluated: 2023-11-30. Review status: criteria provided, single submitter. Criteria: ACMG Guidelines, 2015. Collection method: clinical testing. Allele origin: germline. Inheritance: Autosomal dominant inheritance. Observed: 1 variant allele, 1 heterozygote.
Comment: This study involves interpretation of variants in research participants for the purpose of population health screening. Participant phenotype was not available at the time of variant classification. Additional details can be found in publication PMID: 35346344, PMCID: PMC8962531

NM_000540.3(RYR1):c.7417C>A (p.Pro2473Thr)

Gene: RYR1 (ryanodine receptor 1; plus strand). Cytogenetic location: 19q13.2.
Variant type: single nucleotide variant.
Coding change: c.7417C>A on transcript NM_000540.3 (MANE Select); coding-DNA position 7417, C replaced by A.
Protein change: p.Pro2473Thr; replaces proline 2473 with threonine.
Molecular consequence: missense variant.
Genome position (GRCh38, 1-based): chr19:38,500,699, C>A. VCF-style: chr19-38500699-C-A. GRCh37 (hg19) VCF-style: chr19-38991339-C-A.
Other names: c.7417C>A, p.Pro2473Thr (NM_001042723.2); short protein forms P2473T.
Identifiers: ClinVar variation 3073135 (VCV003073135.2), dbSNP rs1970070389, ClinGen allele CA405670160.